The following is an entry in ClinVar:

NM_005883.3(APC2):c.1395C>A (p.Tyr465Ter)

Gene: APC2 (APC regulator of Wnt signaling pathway 2; plus strand). Cytogenetic location: 19p13.3.
Variant type: single nucleotide variant.
Coding change: c.1395C>A on transcript NM_005883.3 (MANE Select); coding-DNA position 1395, C replaced by A.
Protein change: p.Tyr465Ter; replaces tyrosine 465 with a stop codon.
Molecular consequence: nonsense.
Genome position (GRCh38, 1-based): chr19:1,460,272, C>A. VCF-style: chr19-1460272-C-A. GRCh37 (hg19) VCF-style: chr19-1460271-C-A.
Other names: c.1392C>A, p.Tyr464Ter (NM_001351273.1); short protein forms Y464*, Y465*.
Identifiers: ClinVar variation 4717144 (VCV004717144.1).

ClinVar aggregate classification (germline): Pathogenic (1 of 4 stars; one submission).

Submission:

Labcorp Genetics (formerly Invitae), Labcorp
Classification: Pathogenic. Last evaluated: 2025-04-10. Review status: criteria provided, single submitter. Criteria: Invitae Variant Classification Sherloc (09022015). Collection method: clinical testing. Allele origin: germline.
Comment: This sequence change creates a premature translational stop signal (p.Tyr465*) in the APC2 gene. It is expected to result in an absent or disrupted protein product. Loss-of-function variants in APC2 are known to be pathogenic (PMID: 31585108). This variant is not present in population databases (gnomAD no frequency). This variant has not been reported in the literature in individuals affected with APC2-related conditions. For these reasons, this variant has been classified as Pathogenic.

Literature cited by the submitters: PubMed 31585108.